The following is an entry in ClinVar:

ClinVar aggregate classification (germline): Conflicting classifications of pathogenicity. Review status: criteria provided, conflicting classifications (1 of 4 stars). 4 submissions from 4 submitters: Uncertain significance (1); Likely benign (3). Last evaluated 2025-02-06.

Conditions:
Familial thoracic aortic aneurysm and aortic dissection (TAAD). Also called: Thoracic aortic aneurysms and dissections. Identifiers: Orphanet 91387, MedGen C4707243, MONDO:0019625.
Ehlers-Danlos syndrome, type 4 (EDSVASC). Also called: Ehlers-Danlos Syndrome Type IV; Ehlers-Danlos syndrome vascular type; Ehlers Danlos syndrome, ecchymotic type; Ehlers Danlos syndrome, arterial type; Ehlers Danlos syndrome, Sack-Barabas type. Identifiers: Orphanet 286, MedGen C0268338, MONDO:0017314, OMIM 130050.

Allele frequency attached by ClinVar (database versions not stated): gnomAD below 0.00001 and 0.00001; gnomAD exomes 0.00001.
gnomAD v4.1: 11 of 1,587,548 alleles (0.00069%); highest among the groups gnomAD compares: South Asian, 0.01%; no homozygotes.

Submissions (4):

Labcorp Genetics (formerly Invitae), Labcorp
Classification: Likely benign for Ehlers-Danlos syndrome, type 4. Last evaluated: 2025-02-06. Review status: criteria provided, single submitter. Criteria: Invitae Variant Classification Sherloc (09022015). Collection method: clinical testing. Allele origin: germline.

All of Us Research Program, National Institutes of Health
Classification: Likely benign for Ehlers-Danlos syndrome, type 4. Last evaluated: 2024-10-01. Review status: criteria provided, single submitter. Criteria: ACMG Guidelines, 2015. Collection method: clinical testing. Allele origin: germline. Inheritance: Autosomal dominant inheritance. Observed: 5 variant alleles, 5 heterozygotes.
Comment: This study involves interpretation of variants in research participants for the purpose of population health screening. Participant phenotype was not available at the time of variant classification. Additional details can be found in publication PMID: 35346344, PMCID: PMC8962531

Color Diagnostics, LLC DBA Color Health
Classification: Likely benign for Familial thoracic aortic aneurysm and aortic dissection. Last evaluated: 2018-11-16. Review status: criteria provided, single submitter. Criteria: ACMG Guidelines, 2015. Collection method: clinical testing. Allele origin: germline.

Illumina Laboratory Services, Illumina
Classification: Uncertain significance for Ehlers-Danlos syndrome, type 4. Last evaluated: 2018-01-12. Review status: criteria provided, single submitter. Criteria: ICSL Variant Classification Criteria 13 December 2019. Collection method: clinical testing. Allele origin: germline.

NM_000090.4(COL3A1):c.583-7T>C

Gene: COL3A1 (collagen type III alpha 1 chain; plus strand). Cytogenetic location: 2q32.2.
Variant type: single nucleotide variant.
Coding change: c.583-7T>C on transcript NM_000090.4 (MANE Select); 7 bases into the intron before coding-DNA position 583, T replaced by C.
Molecular consequence: intron variant.
Genome position (GRCh38, 1-based): chr2:188,988,583, T>C. VCF-style: chr2-188988583-T-C. GRCh37 (hg19) VCF-style: chr2-189853309-T-C.
Identifiers: ClinVar variation 333051 (VCV000333051.15), dbSNP rs886055330, ClinGen allele CA10613438.
Genomic context (GRCh38, chr2:188,988,583, plus strand): 5'-TCAAGATGTAAATGAATTATATGAAGATTTTGTTACTTTAAAATTATTTACATATTCTAC[T>C]CACTAGGGATCTCCAGGATACCAAGGACCCCCTGGTGAACCTGGGCAAGCTGGTCCTTCA-3'